The following is an entry in ClinVar:

ClinVar aggregate classification (germline): Likely pathogenic (1 of 4 stars; one submission).

Allele frequency attached by ClinVar (database versions not stated): gnomAD exomes below 0.00001.
gnomAD v4.1: 1 of 1,614,136 alleles (0.000062%); highest among the groups gnomAD compares: Middle Eastern, 0.017%; no homozygotes.

Submission:

Labcorp Genetics (formerly Invitae), Labcorp
Classification: Likely pathogenic. Last evaluated: 2021-09-29. Review status: criteria provided, single submitter. Criteria: Invitae Variant Classification Sherloc (09022015). Collection method: clinical testing. Allele origin: germline.
Comment: In summary, the currently available evidence indicates that the variant is pathogenic, but additional data are needed to prove that conclusively. Therefore, this variant has been classified as Likely Pathogenic. This sequence change affects a donor splice site in intron 2 of the ABCC8 gene. It is expected to disrupt RNA splicing. Variants that disrupt the donor or acceptor splice site typically lead to a loss of protein function (PMID: 16199547), and loss-of-function variants in ABCC8 are known to be pathogenic (PMID: 20685672, 23345197). This variant is not present in population databases (ExAC no frequency). This variant has not been reported in the literature in individuals affected with ABCC8-related conditions. Algorithms developed to predict the effect of sequence changes on RNA splicing suggest that this variant may disrupt the consensus splice site.

Literature cited by the submitters: PubMed 16199547; PubMed 20685672; PubMed 23345197.

NM_000352.6(ABCC8):c.290+1G>A

Gene: ABCC8 (ATP binding cassette subfamily C member 8; minus strand). Cytogenetic location: 11p15.1.
Variant type: single nucleotide variant.
Coding change: c.290+1G>A on transcript NM_000352.6 (MANE Select); the canonical splice donor site of the intron after coding-DNA position 290, G replaced by A.
Molecular consequence: splice donor variant.
Genome position (GRCh38, 1-based): chr11:17,474,885, C>T on the plus strand (G>A on the coding strand, the complement: ABCC8 is on the minus strand). VCF-style: chr11-17474885-C-T. GRCh37 (hg19) VCF-style: chr11-17496432-C-T.
Other names: c.290+1G>A (NM_001351297.2, NM_001351296.2, NM_001351295.2 and 1 more transcripts).
Identifiers: ClinVar variation 1480077 (VCV001480077.6), dbSNP rs2133728249, ClinGen allele CA379786995.